The following is an entry in ClinVar:

NM_001352514.2(HLCS):c.1960+16T>A

Gene: HLCS (holocarboxylase synthetase; minus strand). Cytogenetic location: 21q22.13.
Variant type: single nucleotide variant.
Coding change: c.1960+16T>A on transcript NM_001352514.2 (MANE Select); 16 bases into the intron after coding-DNA position 1960, T replaced by A.
Molecular consequence: intron variant.
Genome position (GRCh38, 1-based): chr21:36,767,202, A>T on the plus strand (T>A on the coding strand, the complement: HLCS is on the minus strand). VCF-style: chr21-36767202-A-T. GRCh37 (hg19) VCF-style: chr21-38139503-A-T.
Other names: c.1519+16T>A (NM_001352517.1, NM_001242785.2, NM_001352515.2 and 4 more transcripts).
Identifiers: ClinVar variation 137544 (VCV000137544.11), dbSNP rs73398135, ClinGen allele CA291169.
Genomic context (GRCh38, chr21:36,767,202, plus strand): 5'-AATGGGCTCCTGGGCCACAAGAGTTGCAGAGTTTAGAAAACAGAAGTAACAGCAATGATC[A>T]CAAAAGATGACTGACCTTTGCCCTCGGTCTGCCGGGCCGCGATCACTATTAAGCCCATTT-3'

ClinVar aggregate classification (germline): Benign. Review status: criteria provided, multiple submitters, no conflicts (2 of 4 stars). 3 submissions from 3 submitters: Benign (3). Last evaluated 2026-02-04.

Conditions:
Holocarboxylase synthetase deficiency. Also called: MULTIPLE CARBOXYLASE DEFICIENCY, EARLY ONSET. Identifiers: Orphanet 79242, MedGen C0268581, MONDO:0009666, OMIM 253270.

Allele frequency attached by ClinVar (database versions not stated): gnomAD exomes 0.00350 and 0.00915; ExAC 0.01140; gnomAD 0.03275 and 0.03462; 1000 Genomes Project 30x 0.04638; ESP Exome Variant Server 0.03637; TOPMed 0.03768; 1000 Genomes Project 0.04213.
gnomAD v4.1: 10,354 of 1,613,426 alleles (0.64%); highest among the groups gnomAD compares: African/African-American, 12%; 590 homozygotes.

Submissions (3):

Labcorp Genetics (formerly Invitae), Labcorp
Classification: Benign for Holocarboxylase synthetase deficiency. Last evaluated: 2026-02-04. Review status: criteria provided, single submitter. Criteria: Invitae Variant Classification Sherloc (09022015). Collection method: clinical testing. Allele origin: germline.

GeneDx
Classification: Benign. Last evaluated: 2014-04-04. Review status: criteria provided, single submitter. Criteria: GeneDx Variant Classification (06012015). Collection method: clinical testing. Allele origin: germline. Affected: yes.
Comment: This variant is considered likely benign or benign based on one or more of the following criteria: it is a conservative change, it occurs at a poorly conserved position in the protein, it is predicted to be benign by multiple in silico algorithms, and/or has population frequency not consistent with disease.

Breakthrough Genomics
Classification: Benign. Review status: criteria provided, single submitter. Criteria: ACMG Guidelines, 2015. Collection method: not provided. Allele origin: germline. Inheritance: Autosomal recessive inheritance. Affected: yes.